The following is an entry in ClinVar:

ClinVar aggregate classification (germline): Uncertain significance. Review status: criteria provided, multiple submitters, no conflicts (2 of 4 stars). 2 submissions from 2 submitters: Uncertain significance (2). Last evaluated 2025-08-19.

Conditions:
Cardiovascular phenotype. Identifiers: MedGen CN230736.

Allele frequency attached by ClinVar (database versions not stated): gnomAD exomes below 0.00001.
gnomAD v4.1: 1 of 1,614,160 alleles (0.000062%); highest among the groups gnomAD compares: Non-Finnish European, 0.000085%; no homozygotes.

Submissions (2):

Ambry Genetics
Classification: Uncertain significance for Cardiovascular phenotype. Last evaluated: 2025-08-19. Review status: criteria provided, single submitter. Criteria: Ambry Variant Classification Scheme 2023. Collection method: clinical testing. Allele origin: germline.
Comment: The p.P1073S variant (also known as c.3217C>T), located in coding exon 6 of the ALPK3 gene, results from a C to T substitution at nucleotide position 3217. The proline at codon 1073 is replaced by serine, an amino acid with similar properties. This amino acid position is not well conserved in available vertebrate species, and serine is the reference amino acid in other vertebrate species. In addition, this alteration is predicted to be tolerated by in silico analysis. Since supporting evidence is limited at this time, the clinical significance of this alteration remains unclear.

Labcorp Genetics (formerly Invitae), Labcorp
Classification: Uncertain significance. Last evaluated: 2024-06-11. Review status: criteria provided, single submitter. Criteria: Invitae Variant Classification Sherloc (09022015). Collection method: clinical testing. Allele origin: germline.
Comment: This sequence change replaces proline, which is neutral and non-polar, with serine, which is neutral and polar, at codon 1073 of the ALPK3 protein (p.Pro1073Ser). This variant is present in population databases (no rsID available, gnomAD 0.0009%). This variant has not been reported in the literature in individuals affected with ALPK3-related conditions. ClinVar contains an entry for this variant (Variation ID: 1461412). Algorithms developed to predict the effect of missense changes on protein structure and function output the following: SIFT: "Not Available"; PolyPhen-2: "Benign"; Align-GVGD: "Not Available". The serine amino acid residue is found in multiple mammalian species, which suggests that this missense change does not adversely affect protein function. In summary, the available evidence is currently insufficient to determine the role of this variant in disease. Therefore, it has been classified as a Variant of Uncertain Significance.

NM_020778.5(ALPK3):c.2611C>T (p.Pro871Ser)

Gene: ALPK3 (alpha kinase 3; plus strand). Cytogenetic location: 15q25.3.
Variant type: single nucleotide variant.
Coding change: c.2611C>T on transcript NM_020778.5 (MANE Select); coding-DNA position 2611, C replaced by T.
Protein change: p.Pro871Ser; replaces proline 871 with serine.
Molecular consequence: missense variant.
Genome position (GRCh38, 1-based): chr15:84,857,349, C>T. VCF-style: chr15-84857349-C-T. GRCh37 (hg19) VCF-style: chr15-85400580-C-T.
Other names: short protein forms P871S.
Identifiers: ClinVar variation 1461412 (VCV001461412.11), dbSNP rs1439652574, ClinGen allele CA393357778.
Genomic context (GRCh38, chr15:84,857,349, plus strand): 5'-GATCAGGGTGGCTGTCCTCTAGCTGGCCTGAGCCAGGAGGTACCCACGATGCCTTCTCTT[C>T]CTGGAACTGGGCTGACAGCTAGCCCAAAGGCGGGGCCGTGTAGCACCCCGACTTCTCAGC-3'
Protein context (NP_065829.4, residues 861-881): SQEVPTMPSL[Pro871Ser]GTGLTASPKA